The following is an entry in ClinVar:

ClinVar aggregate classification (germline): Uncertain significance. Review status: criteria provided, multiple submitters, no conflicts (2 of 4 stars). 2 submissions from 2 submitters: Uncertain significance (2). Last evaluated 2023-10-29.

Conditions:
Neuropathy, hereditary sensory and autonomic, type 2A (HSAN2A). Also called: MORVAN DISEASE; NEUROPATHY, CONGENITAL SENSORY; NEUROPATHY, HEREDITARY SENSORY RADICULAR, AUTOSOMAL RECESSIVE; NEUROPATHY, HEREDITARY SENSORY, TYPE IIA; NEUROPATHY, PROGRESSIVE SENSORY, OF CHILDREN; ACROOSTEOLYSIS, GIACCAI TYPE. Identifiers: Orphanet 970, MedGen C2752089, MONDO:0024309, OMIM 201300.
Pseudohypoaldosteronism type 2C (PHA2C). Also called: Pseudohypoaldosteronism Type IIC. Identifiers: Orphanet 757, Orphanet 88940, MedGen C1840391, MONDO:0013778, OMIM 614492.
Inborn genetic diseases. Identifiers: MedGen C0950123, MeSH D030342.

Allele frequency attached by ClinVar (database versions not stated): TOPMed below 0.00001; gnomAD 0.00001; 1000 Genomes Project 30x 0.00016.
gnomAD v4.1: 1 of 1,612,524 alleles (0.000062%); highest among the groups gnomAD compares: South Asian, 0.0011%; no homozygotes.

Submissions (2):

Labcorp Genetics (formerly Invitae), Labcorp
Classification: Uncertain significance for Neuropathy, hereditary sensory and autonomic, type 2A; Pseudohypoaldosteronism type 2C. Last evaluated: 2023-10-29. Review status: criteria provided, single submitter. Criteria: Invitae Variant Classification Sherloc (09022015). Collection method: clinical testing. Allele origin: germline.
Comment: This sequence change replaces serine, which is neutral and polar, with phenylalanine, which is neutral and non-polar, at codon 33 of the WNK1 protein (p.Ser33Phe). This variant is not present in population databases (gnomAD no frequency). This variant has not been reported in the literature in individuals affected with WNK1-related conditions. ClinVar contains an entry for this variant (Variation ID: 1768546). Advanced modeling of protein sequence and biophysical properties (such as structural, functional, and spatial information, amino acid conservation, physicochemical variation, residue mobility, and thermodynamic stability) performed at Invitae indicates that this missense variant is not expected to disrupt WNK1 protein function with a negative predictive value of 95%. In summary, the available evidence is currently insufficient to determine the role of this variant in disease. Therefore, it has been classified as a Variant of Uncertain Significance.

Ambry Genetics
Classification: Uncertain significance for Inborn genetic diseases. Last evaluated: 2021-03-12. Review status: criteria provided, single submitter. Criteria: Ambry Variant Classification Scheme 2023. Collection method: clinical testing. Allele origin: germline.
Comment: The p.S33F variant (also known as c.98C>T), located in coding exon 1 of the WNK1 gene, results from a C to T substitution at nucleotide position 98. The serine at codon 33 is replaced by phenylalanine, an amino acid with highly dissimilar properties. This amino acid position is not well conserved in available vertebrate species. In addition, this alteration is predicted to be tolerated by in silico analysis. Since supporting evidence is limited at this time, the clinical significance of this alteration remains unclear.

NM_018979.4(WNK1):c.98C>T (p.Ser33Phe)

Gene: WNK1 (WNK lysine deficient protein kinase 1; plus strand). Cytogenetic location: 12p13.33.
Variant type: single nucleotide variant.
Coding change: c.98C>T on transcript NM_018979.4 (MANE Select); coding-DNA position 98, C replaced by T.
Protein change: p.Ser33Phe; replaces serine 33 with phenylalanine.
Molecular consequence: missense variant.
Genome position (GRCh38, 1-based): chr12:753,663, C>T. VCF-style: chr12-753663-C-T. GRCh37 (hg19) VCF-style: chr12-862829-C-T.
Other names: c.98C>T, p.Ser33Phe (NM_001184985.2, NM_014823.3, NM_213655.5); short protein forms S33F.
Identifiers: ClinVar variation 1768546 (VCV001768546.5), dbSNP rs1939524099, ClinGen allele CA383303632.
Genomic context (GRCh38, chr12:753,663, plus strand): 5'-CCGGTTCCCTGTTCCTCTCGCCGCCGGCTCCTGCCCCCAAGAATGGCTCCAGCTCCGATT[C>T]CTCCGTGGGGGAGAAACTGGGAGCCGCGGCCGCCGACGCTGTGACCGGCAGGACCGAGGA-3'
Protein context (NP_061852.3, residues 23-43): PAPKNGSSSD[Ser33Phe]SVGEKLGAAA